The following is an entry in ClinVar:

NC_000001.11:g.94078589CT[3]

Gene: ABCA4 (ATP binding cassette subfamily A member 4; minus strand). Cytogenetic location: 1p22.1.
Variant type: Microsatellite.
Genome position: GRCh38 VCF-style: chr1-94078588-A-ACT. GRCh37 (hg19) VCF-style: chr1-94544144-A-ACT.
Identifiers: ClinVar variation 2105526 (VCV002105526.5), dbSNP rs2523894686, ClinGen allele CA2580611180.
Genomic context (GRCh38, chr1:94,078,588, plus strand): 5'-GAACTTTCTTGCCCCCACCGCTTCCTCCTCCCCTCCCCTCCCCATCCTCCAACCCCCCTT[A>ACT]CTCTGATCATGTTCATCTGTGTGCTGTTGTCAAAGAAGTACCAGATCTGGGGCCCTACTT-3'

ClinVar aggregate classification (germline): Pathogenic (1 of 4 stars; one submission).

Submission:

Labcorp Genetics (formerly Invitae), Labcorp
Classification: Pathogenic. Last evaluated: 2022-03-01. Review status: criteria provided, single submitter. Criteria: Invitae Variant Classification Sherloc (09022015). Collection method: clinical testing. Allele origin: germline.
Comment: This sequence change creates a premature translational stop signal (p.Asp453Glufs*9) in the ABCA4 gene. It is expected to result in an absent or disrupted protein product. Loss-of-function variants in ABCA4 are known to be pathogenic (PMID: 10958761, 24938718, 25312043, 26780318). This variant is not present in population databases (gnomAD no frequency). This variant has not been reported in the literature in individuals affected with ABCA4-related conditions. Algorithms developed to predict the effect of sequence changes on RNA splicing suggest that this variant may disrupt the consensus splice site. For these reasons, this variant has been classified as Pathogenic.

Literature cited by the submitters: PubMed 10958761; PubMed 24938718; PubMed 25312043; PubMed 26780318.